The following is an entry in ClinVar:

ClinVar aggregate classification (germline): Likely benign (1 of 4 stars; one submission).

Submission:

Center for Genomic Medicine, Rigshospitalet, Copenhagen University Hospital
Classification: Likely benign. Last evaluated: 2025-12-29. Review status: criteria provided, single submitter. Criteria: ACMG Guidelines, 2015. Collection method: clinical testing. Allele origin: germline.
Comment: Classification criteria: BP4, BP7

NM_004360.5(CDH1):c.163+15C>T

Gene: CDH1 (cadherin 1; plus strand). Cytogenetic location: 16q22.1.
Variant type: single nucleotide variant.
Coding change: c.163+15C>T on transcript NM_004360.5 (MANE Select); 15 bases into the intron after coding-DNA position 163, C replaced by T.
Molecular consequence: intron variant.
Genome position (GRCh38, 1-based): chr16:68,738,426, C>T. VCF-style: chr16-68738426-C-T. GRCh37 (hg19) VCF-style: chr16-68772329-C-T.
Other names: c.-1453+15C>T (NM_001317185.2); c.-1657+15C>T (NM_001317186.2); c.163+15C>T (NM_001317184.2).
Identifiers: ClinVar variation 4539155 (VCV004539155.1).